The following is an entry in ClinVar:

ClinVar aggregate classification (germline): Pathogenic (1 of 4 stars; one submission).

Conditions:
Ehlers-Danlos syndrome, type 4 (EDSVASC). Also called: Ehlers-Danlos syndrome vascular type; Ehlers Danlos syndrome, ecchymotic type; Ehlers Danlos syndrome, arterial type; Ehlers Danlos syndrome, Sack-Barabas type; Ehlers-Danlos Syndrome Type IV. Identifiers: Orphanet 286, MedGen C0268338, MONDO:0017314, OMIM 130050.

Submission:

Labcorp Genetics (formerly Invitae), Labcorp
Classification: Pathogenic for Ehlers-Danlos syndrome, type 4. Last evaluated: 2022-03-14. Review status: criteria provided, single submitter. Criteria: Invitae Variant Classification Sherloc (09022015). Collection method: clinical testing. Allele origin: germline.
Comment: This variant disrupts the p.Gly957Ser amino acid residue in COL3A1. Other variant(s) that disrupt this residue have been observed in individuals with COL3A1-related conditions (PMID: 24650746; Invitae), which suggests that this may be a clinically significant amino acid residue. For these reasons, this variant has been classified as Pathogenic. This sequence change replaces glycine, which is neutral and non-polar, with serine, which is neutral and polar, at codon 957 of the COL3A1 protein (p.Gly957Ser). This variant is not present in population databases (gnomAD no frequency). This missense change has been observed in individual(s) with vascular Ehlers-Danlos syndrome (PMID: 2492273, 30474650, 30919682). This variant is also known as G790S. Advanced modeling of protein sequence and biophysical properties (such as structural, functional, and spatial information, amino acid conservation, physicochemical variation, residue mobility, and thermodynamic stability) performed at Invitae indicates that this missense variant is expected to disrupt COL3A1 protein function. This variant disrupts the triple helix domain of COL3A1. Glycine residues within the Gly-Xaa-Yaa repeats of the triple helix domain are required for the structure and stability of fibrillar collagens (PMID: 7695699, 8218237, 19344236). In COL3A1, variants that affect these glycine residues are significantly enriched in individuals with disease (PMID: 24922459, 25758994) compared to the general population (ExAC).

Literature cited by the submitters: PubMed 24650746; PubMed 2492273; PubMed 30474650; PubMed 30919682; PubMed 7695699; PubMed 8218237; PubMed 19344236; PubMed 24922459; PubMed 25758994.

NM_000090.4(COL3A1):c.2869G>A (p.Gly957Ser)

Gene: COL3A1 (collagen type III alpha 1 chain; plus strand). Cytogenetic location: 2q32.2.
Variant type: single nucleotide variant.
Coding change: c.2869G>A on transcript NM_000090.4 (MANE Select); coding-DNA position 2869, G replaced by A.
Protein change: p.Gly957Ser; replaces glycine 957 with serine.
Molecular consequence: missense variant.
Genome position (GRCh38, 1-based): chr2:189,004,302, G>A. VCF-style: chr2-189004302-G-A. GRCh37 (hg19) VCF-style: chr2-189869028-G-A.
Other names: short protein forms G957S.
Identifiers: ClinVar variation 1458349 (VCV001458349.6), dbSNP rs121912913, ClinGen allele CA62557535.
Genomic context (GRCh38, chr2:189,004,302, plus strand): 5'-CATTATCTGTATTAGGGAGCTCCAGGCCCACTTGGGATTGCTGGGATCACTGGAGCACGG[G>A]GTCTTGCAGGACCACCAGGCATGCCAGGTCCTAGGGGAAGCCCTGGCCCTCAGGGTGTCA-3'
Protein context (NP_000081.2, residues 947-967): LGIAGITGAR[Gly957Ser]LAGPPGMPGP